The following is an entry in ClinVar:

ClinVar aggregate classification (germline): Uncertain significance (1 of 4 stars; one submission).

Conditions:
Aortic aneurysm, familial thoracic 4 (AAT4). Also called: AORTIC ANEURYSM/AORTIC DISSECTION AND PATENT DUCTUS ARTERIOSUS. Identifiers: MedGen C1851504, MONDO:0007568, OMIM 132900.

Allele frequency attached by ClinVar (database versions not stated): gnomAD exomes below 0.00001; ExAC 0.00001.
gnomAD v4.1: 2 of 1,614,036 alleles (0.00012%); highest among the groups gnomAD compares: South Asian, 0.0011%; no homozygotes.

Submission:

Labcorp Genetics (formerly Invitae), Labcorp
Classification: Uncertain significance for Aortic aneurysm, familial thoracic 4. Last evaluated: 2023-09-06. Review status: criteria provided, single submitter. Criteria: Invitae Variant Classification Sherloc (09022015). Collection method: clinical testing. Allele origin: germline.
Comment: This variant has not been reported in the literature in individuals affected with MYH11-related conditions. In summary, the available evidence is currently insufficient to determine the role of this variant in disease. Therefore, it has been classified as a Variant of Uncertain Significance. Advanced modeling of protein sequence and biophysical properties (such as structural, functional, and spatial information, amino acid conservation, physicochemical variation, residue mobility, and thermodynamic stability) performed at Invitae indicates that this missense variant is not expected to disrupt MYH11 protein function. This variant is present in population databases (rs754206363, gnomAD 0.003%). This sequence change replaces arginine, which is basic and polar, with lysine, which is basic and polar, at codon 1585 of the MYH11 protein (p.Arg1585Lys).

NM_002474.3(MYH11):c.4733G>A (p.Arg1578Lys)

Genes: MYH11 (myosin heavy chain 11; minus strand), NDE1 (nudE neurodevelopment protein 1; plus strand). Cytogenetic location: 16p13.11.
Variant type: single nucleotide variant.
Coding change: c.4733G>A on transcript NM_002474.3 (MANE Select); coding-DNA position 4733, G replaced by A.
Protein change: p.Arg1578Lys; replaces arginine 1578 with lysine.
Molecular consequence: missense variant. On other transcripts: intron variant (2).
Genome position (GRCh38, 1-based): chr16:15,720,897, C>T on the plus strand (G>A on the coding strand, the complement: MYH11 is on the minus strand). VCF-style: chr16-15720897-C-T. GRCh37 (hg19) VCF-style: chr16-15814754-C-T.
Other names: c.4754G>A, p.Arg1585Lys (NM_001040113.2, NM_001040114.2); c.4733G>A, p.Arg1578Lys (NM_022844.3); c.948-3294C>T (NM_001143979.2, NM_017668.3); short protein forms R1585K, R1578K.
Identifiers: ClinVar variation 2918461 (VCV002918461.2), dbSNP rs754206363, ClinGen allele CA7921578.